The following is an entry in ClinVar:

NM_001164508.2(NEB):c.11289delT (p.Tyr3764fs)

Gene: NEB (nebulin; minus strand). Cytogenetic location: 2q23.3.
Variant type: Deletion.
Coding change: c.11289delT on transcript NM_001164508.2 (MANE Select); coding-DNA position 11289, one base deleted (T).
Protein change: p.Tyr3764fs; shifts the reading frame from tyrosine 3764.
Molecular consequence: frameshift variant.
Genome position (GRCh38, 1-based): chr2:151,616,002, A deleted on the plus strand (T on the coding strand, the reverse complement: NEB is on the minus strand). VCF-style (leftmost placement, unchanged base first): chr2-151616001-CA-C. GRCh37 (hg19) VCF-style: chr2-152472515-CA-C.
Other names: c.11289delT, p.Tyr3764fs (NM_001164507.2, NM_001271208.2); c.10560delT, p.Tyr3521fs (NM_004543.5); short protein forms Y3764fs, Y3521fs.
Identifiers: ClinVar variation 2762003 (VCV002762003.4), dbSNP rs771046654, ClinGen allele CA1908796.
Genomic context (GRCh38, chr2:151,616,001, plus strand): 5'-AAAAGCTTCTATTTGTCAACATCTTTGAATAAGAAATGGCTTTTCCAAAACATCCACTTA[CA>C]TCACTAGCAATATCTCTTGAAGCCTTGGCTGCTTGGATTGGAATGGCATCCAGACGCAAG-3'

ClinVar aggregate classification (germline): Pathogenic. Review status: criteria provided, multiple submitters, no conflicts (2 of 4 stars). 2 submissions from 2 submitters: Pathogenic (2). Last evaluated 2026-09-09.

Conditions:
Nemaline myopathy 2 (NEM2). Also called: Nemaline myopathy 2, autosomal recessive. Identifiers: MedGen C1850569, MONDO:0009725, OMIM 256030.

Allele frequency attached by ClinVar (database versions not stated): gnomAD exomes below 0.00001; ExAC 0.00001.

Submissions (2):

Myriad Genetics, Inc.
Classification: Pathogenic for Nemaline myopathy 2. Last evaluated: 2026-09-09. Review status: criteria provided, single submitter. Criteria: Myriad Autosomal Dominant, Autosomal Recessive and X-Linked Classification Criteria (2023). Collection method: clinical testing. Allele origin: unknown.
Comment: NM_001271208.1(NEB):c.11289delT(Y3764Tfs*26) is a frameshift variant classified as pathogenic in the context of NEB-related nemaline myopathy. Y3764Tfs*26 has not been observed in cases with relevant disease. Relevant functional assessments of this variant are not available in the literature. Y3764Tfs*26 has been observed in referenced population frequency databases. In summary, NM_001271208.1(NEB):c.11289delT(Y3764Tfs*26) is a frameshift variant in a gene where loss of function is a known mechanism of disease and is predicted to disrupt protein function. Please note: this variant was assessed in the context of healthy population screening.

Labcorp Genetics (formerly Invitae), Labcorp
Classification: Pathogenic for Nemaline myopathy 2. Last evaluated: 2023-09-20. Review status: criteria provided, single submitter. Criteria: Invitae Variant Classification Sherloc (09022015). Collection method: clinical testing. Allele origin: germline.
Comment: This sequence change creates a premature translational stop signal (p.Tyr3764Thrfs*26) in the NEB gene. It is expected to result in an absent or disrupted protein product. Loss-of-function variants in NEB are known to be pathogenic (PMID: 25205138). This variant is present in population databases (rs771046654, gnomAD 0.007%). This variant has not been reported in the literature in individuals affected with NEB-related conditions. Algorithms developed to predict the effect of sequence changes on RNA splicing suggest that this variant may disrupt the consensus splice site. For these reasons, this variant has been classified as Pathogenic.

Literature cited by the submitters: PubMed 25205138 (cited by Labcorp Genetics (formerly Invitae), Labcorp).